The following is an entry in ClinVar:

NM_001037333.3(CYFIP2):c.3230G>C (p.Gly1077Ala)

Genes: CYFIP2 (cytoplasmic FMR1 interacting protein 2; plus strand), NIPAL4-DT (NIPAL4 divergent transcript; minus strand). Cytogenetic location: 5q33.3.
Variant type: single nucleotide variant.
Coding change: c.3230G>C on transcript NM_001037333.3 (MANE Select); coding-DNA position 3230, G replaced by C.
Protein change: p.Gly1077Ala; replaces glycine 1077 with alanine.
Molecular consequence: missense variant.
Genome position (GRCh38, 1-based): chr5:157,389,211, G>C. VCF-style: chr5-157389211-G-C. GRCh37 (hg19) VCF-style: chr5-156816219-G-C.
Other names: c.3152G>C, p.Gly1051Ala (NM_001291721.2); c.3305G>C, p.Gly1102Ala (NM_001291722.2); c.3230G>C, p.Gly1077Ala (NM_014376.4); short protein forms G1102A, G1051A, G1077A.
Identifiers: ClinVar variation 2768766 (VCV002768766.3), dbSNP rs2532733670, ClinGen allele CA361981943.

ClinVar aggregate classification (germline): Uncertain significance (1 of 4 stars; one submission).

Allele frequency attached by ClinVar (database versions not stated): gnomAD exomes below 0.00001.
gnomAD v4.1: 2 of 1,612,864 alleles (0.00012%); highest among the groups gnomAD compares: Non-Finnish European, 0.00017%; no homozygotes.

Submission:

Labcorp Genetics (formerly Invitae), Labcorp
Classification: Uncertain significance. Last evaluated: 2023-10-22. Review status: criteria provided, single submitter. Criteria: Invitae Variant Classification Sherloc (09022015). Collection method: clinical testing. Allele origin: germline.
Comment: This sequence change replaces glycine, which is neutral and non-polar, with alanine, which is neutral and non-polar, at codon 1077 of the CYFIP2 protein (p.Gly1077Ala). This variant is not present in population databases (gnomAD no frequency). This variant has not been reported in the literature in individuals affected with CYFIP2-related conditions. Experimental studies and prediction algorithms are not available or were not evaluated, and the functional significance of this variant is currently unknown. In summary, the available evidence is currently insufficient to determine the role of this variant in disease. Therefore, it has been classified as a Variant of Uncertain Significance.